The following is an entry in ClinVar:

ClinVar aggregate classification (germline): Uncertain significance (1 of 4 stars; one submission).

Conditions:
Ataxia-telangiectasia-like disorder (ATLD). Identifiers: MedGen C1858391, MONDO:0011457.

Submission:

Labcorp Genetics (formerly Invitae), Labcorp
Classification: Uncertain significance for Ataxia-telangiectasia-like disorder. Last evaluated: 2018-03-14. Review status: criteria provided, single submitter. Criteria: Invitae Variant Classification Sherloc (09022015). Collection method: clinical testing. Allele origin: germline.
Comment: This variant has not been reported in the literature in individuals with MRE11-related disease. ClinVar contains an entry for this variant (Variation ID: 407896). This variant is not present in population databases (ExAC no frequency). This sequence change replaces valine with leucine at codon 17 of the MRE11 protein (p.Val17Leu). The valine residue is moderately conserved and there is a small physicochemical difference between valine and leucine. In summary, the available evidence is currently insufficient to determine the role of this variant in disease. Therefore, it has been classified as a Variant of Uncertain Significance. Algorithms developed to predict the effect of missense changes on protein structure and function (SIFT, PolyPhen-2, Align-GVGD) all suggest that this variant is likely to be tolerated, but these predictions have not been confirmed by published functional studies and their clinical significance is uncertain.

NM_005591.4(MRE11):c.49G>C (p.Val17Leu)

Gene: MRE11 (MRE11 double strand break repair nuclease; minus strand). Cytogenetic location: 11q21.
Variant type: single nucleotide variant.
Coding change: c.49G>C on transcript NM_005591.4 (MANE Select); coding-DNA position 49, G replaced by C.
Protein change: p.Val17Leu; replaces valine 17 with leucine.
Molecular consequence: missense variant.
Genome position (GRCh38, 1-based): chr11:94,490,937, C>G on the plus strand (G>C on the coding strand, the complement: MRE11 is on the minus strand). VCF-style: chr11-94490937-C-G. GRCh37 (hg19) VCF-style: chr11-94224103-C-G.
Other names: c.49G>C, p.Val17Leu (NM_001330347.2, NM_005590.4); short protein forms V17L.
Identifiers: ClinVar variation 407896 (VCV000407896.10), dbSNP rs1060501790, ClinGen allele CA16613466.